The following is an entry in ClinVar:

NM_000532.5(PCCB):c.1091-4C>T

Gene: PCCB (propionyl-CoA carboxylase subunit beta; plus strand). Cytogenetic location: 3q22.3.
Variant type: single nucleotide variant.
Coding change: c.1091-4C>T on transcript NM_000532.5 (MANE Select); 4 bases into the intron before coding-DNA position 1091, C replaced by T.
Molecular consequence: intron variant.
Genome position (GRCh38, 1-based): chr3:136,326,799, C>T. VCF-style: chr3-136326799-C-T. GRCh37 (hg19) VCF-style: chr3-136045641-C-T.
Other names: c.1151-4C>T (NM_001178014.2); c.1091-4C>T (NM_000532.4).
Identifiers: ClinVar variation 1648672 (VCV001648672.9), dbSNP rs759283485, ClinGen allele CA2632020.

ClinVar aggregate classification (germline): Likely benign. Review status: criteria provided, single submitter (1 of 4 stars). 2 submissions from 2 submitters: Likely benign (1). 1 of the submissions does not count toward it. Last evaluated 2023-05-18.

Conditions:
Propionic acidemia (PROP). Also called: GLYCINEMIA, KETOTIC; HYPERGLYCINEMIA WITH KETOACIDOSIS AND LEUKOPENIA; KETOTIC HYPERGLYCINEMIA. Identifiers: Orphanet 35, MedGen C0268579, MONDO:0011628, OMIM 606054, HP:0003571.
PCCB-related disorder. Also called: PCCB-related condition.

Allele frequency attached by ClinVar (database versions not stated): ExAC 0.00001.
gnomAD v4.1: 4 of 1,576,740 alleles (0.00025%); highest among the groups gnomAD compares: East Asian, 0.0067%; no homozygotes.

Submissions (2):

Labcorp Genetics (formerly Invitae), Labcorp
Classification: Likely benign for Propionic acidemia. Last evaluated: 2023-05-18. Review status: criteria provided, single submitter. Criteria: Invitae Variant Classification Sherloc (09022015). Collection method: clinical testing. Allele origin: germline.

PreventionGenetics, part of Exact Sciences
Classification: Likely benign for PCCB-related condition. Last evaluated: 2024-06-19. Review status: no assertion criteria provided. Collection method: clinical testing. Allele origin: germline. Not counted in ClinVar's aggregate classification.
Comment: This variant is classified as likely benign based on ACMG/AMP sequence variant interpretation guidelines (Richards et al. 2015 PMID: 25741868, with internal and published modifications).